The following is an entry in ClinVar:

ClinVar aggregate classification (germline): Uncertain significance (1 of 4 stars; one submission).

Submission:

Mayo Clinic Laboratories, Mayo Clinic
Classification: Uncertain significance. Last evaluated: 2022-03-09. Review status: criteria provided, single submitter. Criteria: ACMG Guidelines, 2015. Collection method: clinical testing. Allele origin: germline. Observed: 1 variant allele.
Comment: PM2

NM_002529.4(NTRK1):c.410G>A (p.Gly137Asp)

Gene: NTRK1 (neurotrophic receptor tyrosine kinase 1; plus strand). Cytogenetic location: 1q23.1.
Variant type: single nucleotide variant.
Coding change: c.410G>A on transcript NM_002529.4 (MANE Select); coding-DNA position 410, G replaced by A.
Protein change: p.Gly137Asp; replaces glycine 137 with aspartic acid.
Molecular consequence: missense variant.
Genome position (GRCh38, 1-based): chr1:156,866,960, G>A. VCF-style: chr1-156866960-G-A. GRCh37 (hg19) VCF-style: chr1-156836752-G-A.
Other names: p.Gly137Asp; c.410G>A, p.Gly137Asp (NM_001007204.1, NM_001012331.2); c.320G>A, p.Gly107Asp (NM_001007792.1); short protein forms G107D, G137D.
Identifiers: ClinVar variation 2682662 (VCV002682662.1), dbSNP rs2525583044, ClinGen allele CA342933274.